The following is an entry in ClinVar:

ClinVar aggregate classification (germline): Uncertain significance (1 of 4 stars; one submission).

Submission:

Dasa
Classification: Uncertain significance. Last evaluated: 2025-04-14. Review status: criteria provided, single submitter. Criteria: DASA Assertion Criteria. Collection method: clinical testing. Allele origin: germline.
Comment: NM_004380.3(CREBBP):c.3931T>C (p.Cys1311Arg) is a missense variant that results in the substitution of cysteine with arginine. This variant is absent from population databases. Computational prediction algorithms are consistent with a deleterious effect. The currently available literature and clinical evidence are not sufficient to establish a definitive association between this variant and the reported condition. Therefore, this variant is classified as a variant of uncertain significance.

NM_004380.3(CREBBP):c.3931T>C (p.Cys1311Arg)

Gene: CREBBP (CREB binding lysine acetyltransferase; minus strand). Cytogenetic location: 16p13.3.
Variant type: single nucleotide variant.
Coding change: c.3931T>C on transcript NM_004380.3 (MANE Select); coding-DNA position 3931, T replaced by C.
Protein change: p.Cys1311Arg; replaces cysteine 1311 with arginine.
Molecular consequence: missense variant.
Genome position (GRCh38, 1-based): chr16:3,744,945, A>G on the plus strand (T>C on the coding strand, the complement: CREBBP is on the minus strand). VCF-style: chr16-3744945-A-G. GRCh37 (hg19) VCF-style: chr16-3794946-A-G.
Other names: c.3817T>C, p.Cys1273Arg (NM_001079846.1); short protein forms C1273R, C1311R.
Identifiers: ClinVar variation 4883226 (VCV004883226.2).